The following is an entry in ClinVar:

ClinVar aggregate classification (germline): Uncertain significance (1 of 4 stars; one submission).

Allele frequency attached by ClinVar (database versions not stated): gnomAD 0.00001; TOPMed 0.00001.
gnomAD v4.1: 5 of 1,614,038 alleles (0.00031%); highest among the groups gnomAD compares: East Asian, 0.0022%; no homozygotes.

Submission:

Labcorp Genetics (formerly Invitae), Labcorp
Classification: Uncertain significance. Last evaluated: 2022-12-29. Review status: criteria provided, single submitter. Criteria: Invitae Variant Classification Sherloc (09022015). Collection method: clinical testing. Allele origin: germline.
Comment: This sequence change replaces proline, which is neutral and non-polar, with leucine, which is neutral and non-polar, at codon 1214 of the TCF20 protein (p.Pro1214Leu). This variant is present in population databases (no rsID available, gnomAD 0.007%). This variant has not been reported in the literature in individuals affected with TCF20-related conditions. Algorithms developed to predict the effect of missense changes on protein structure and function (SIFT, PolyPhen-2, Align-GVGD) all suggest that this variant is likely to be tolerated. In summary, the available evidence is currently insufficient to determine the role of this variant in disease. Therefore, it has been classified as a Variant of Uncertain Significance.

NM_001378418.1(TCF20):c.3641C>T (p.Pro1214Leu)

Gene: TCF20 (transcription factor 20; minus strand). Cytogenetic location: 22q13.2.
Variant type: single nucleotide variant.
Coding change: c.3641C>T on transcript NM_001378418.1 (MANE Select); coding-DNA position 3641, C replaced by T.
Protein change: p.Pro1214Leu; replaces proline 1214 with leucine.
Molecular consequence: missense variant.
Genome position (GRCh38, 1-based): chr22:42,211,665, G>A on the plus strand (C>T on the coding strand, the complement: TCF20 is on the minus strand). VCF-style: chr22-42211665-G-A. GRCh37 (hg19) VCF-style: chr22-42607671-G-A.
Other names: c.3641C>T, p.Pro1214Leu (NM_005650.4, NM_181492.3); short protein forms P1214L.
Identifiers: ClinVar variation 2997367 (VCV002997367.3), dbSNP rs1169775402, ClinGen allele CA411786041.